The following is an entry in ClinVar:

NM_004183.4(BEST1):c.905A>C (p.Asp302Ala)

Gene: BEST1 (bestrophin 1; plus strand). Cytogenetic location: 11q12.3.
Variant type: single nucleotide variant.
Coding change: c.905A>C on transcript NM_004183.4 (MANE Select); coding-DNA position 905, A replaced by C.
Protein change: p.Asp302Ala; replaces aspartic acid 302 with alanine.
Molecular consequence: missense variant. On other transcripts: non-coding transcript variant (1), intron variant (1).
Genome position (GRCh38, 1-based): chr11:61,959,535, A>C. VCF-style: chr11-61959535-A-C. GRCh37 (hg19) VCF-style: chr11-61727007-A-C.
Other names: c.725A>C, p.Asp242Ala (NM_001139443.3, NM_001300787.2); c.587A>C, p.Asp196Ala (NM_001363591.3); c.1108A>C, p.Met370Leu (NM_001363592.2); c.-68A>C (NM_001363593.3); c.688-357A>C (NM_001300786.2); short protein forms D302A, D196A, D242A, M370L.
Identifiers: ClinVar variation 636002 (VCV000636002.6), dbSNP rs281865263, ClinGen allele CA380843890.

ClinVar aggregate classification (germline): Pathogenic. Review status: criteria provided, multiple submitters, no conflicts (2 of 4 stars). 3 submissions from 3 submitters: Pathogenic (2). 1 of the submissions does not count toward it. Last evaluated 2023-06-16.

Conditions:
Vitelliform macular dystrophy 2. Also called: Best vitelliform macular dystrophy, multifocal; VITELLIFORM MACULAR DYSTROPHY, EARLY-ONSET; VITELLIFORM MACULAR DYSTROPHY, JUVENILE-ONSET; Best Vitelliform Macular Dystrophy (BVMD); Best Macular Dystrophy; MACULAR DEGENERATION, POLYMORPHIC VITELLINE. Identifiers: Orphanet 1243, MedGen C2745945, MONDO:0007931, OMIM 153700.
Retinal dystrophy. Also called: Inherited retinal dystrophy. Identifiers: Orphanet 71862, MedGen C0854723, MeSH D058499, MONDO:0019118, HP:0000556.

Submissions (3):

Labcorp Genetics (formerly Invitae), Labcorp
Classification: Pathogenic. Last evaluated: 2023-06-16. Review status: criteria provided, single submitter. Criteria: Invitae Variant Classification Sherloc (09022015). Collection method: clinical testing. Allele origin: germline.
Comment: Experimental studies have shown that this missense change affects BEST1 function (PMID: 31836750). For these reasons, this variant has been classified as Pathogenic. This variant disrupts the p.Asp302 amino acid residue in BEST1. Other variant(s) that disrupt this residue have been determined to be pathogenic (PMID: 12324875; Invitae). This suggests that this residue is clinically significant, and that variants that disrupt this residue are likely to be disease-causing. This sequence change replaces aspartic acid, which is acidic and polar, with alanine, which is neutral and non-polar, at codon 302 of the BEST1 protein (p.Asp302Ala). This variant is not present in population databases (gnomAD no frequency). This missense change has been observed in individuals with BEST1-related conditions (PMID: 21269699, 28559085). It has also been observed to segregate with disease in related individuals. ClinVar contains an entry for this variant (Variation ID: 636002). Advanced modeling of protein sequence and biophysical properties (such as structural, functional, and spatial information, amino acid conservation, physicochemical variation, residue mobility, and thermodynamic stability) performed at Invitae indicates that this missense variant is expected to disrupt BEST1 protein function.

Institute of Human Genetics, Univ. Regensburg, Univ. Regensburg
Classification: Pathogenic for Retinal dystrophy. Last evaluated: 2006-01-01. Review status: criteria provided, single submitter. Criteria: ACMG Guidelines, 2015. Collection method: clinical testing. Allele origin: germline. Affected: yes.

Department of Clinical Genetics, Copenhagen University Hospital, Rigshospitalet
Classification: Pathogenic for Vitelliform macular dystrophy type 2. Last evaluated: 2018-04-01. Review status: no assertion criteria provided. Collection method: research. Allele origin: unknown. Affected: yes. Study: VeluxRD. Not counted in ClinVar's aggregate classification.

Literature cited by the submitters: PubMed 31836750 (cited by Labcorp Genetics (formerly Invitae), Labcorp and Institute of Human Genetics, Univ. Regensburg, Univ. Regensburg); PubMed 12324875 (cited by Labcorp Genetics (formerly Invitae), Labcorp); PubMed 21269699 (cited by Labcorp Genetics (formerly Invitae), Labcorp and Institute of Human Genetics, Univ. Regensburg, Univ. Regensburg); PubMed 28559085 (cited by Labcorp Genetics (formerly Invitae), Labcorp and Institute of Human Genetics, Univ. Regensburg, Univ. Regensburg); PubMed 11756879 (cited by Institute of Human Genetics, Univ. Regensburg, Univ. Regensburg); PubMed 35311463 (cited by Institute of Human Genetics, Univ. Regensburg, Univ. Regensburg); PubMed 30718709 (cited by Department of Clinical Genetics, Copenhagen University Hospital, Rigshospitalet).